The following is an entry in ClinVar:

ClinVar aggregate classification (germline): Uncertain significance. Review status: criteria provided, multiple submitters, no conflicts (2 of 4 stars). 2 submissions from 2 submitters: Uncertain significance (2). Last evaluated 2024-07-02.

Conditions:
Inborn genetic diseases. Identifiers: MedGen C0950123, MeSH D030342.

Allele frequency attached by ClinVar (database versions not stated): TOPMed 0.00001.

Submissions (2):

Ambry Genetics
Classification: Uncertain significance for Inborn genetic diseases. Last evaluated: 2024-07-02. Review status: criteria provided, single submitter. Criteria: Ambry Variant Classification Scheme 2023. Collection method: clinical testing. Allele origin: germline.

Labcorp Genetics (formerly Invitae), Labcorp
Classification: Uncertain significance. Last evaluated: 2023-02-11. Review status: criteria provided, single submitter. Criteria: Invitae Variant Classification Sherloc (09022015). Collection method: clinical testing. Allele origin: germline.
Comment: This variant has not been reported in the literature in individuals affected with EARS2-related conditions. Advanced modeling of protein sequence and biophysical properties (such as structural, functional, and spatial information, amino acid conservation, physicochemical variation, residue mobility, and thermodynamic stability) performed at Invitae indicates that this missense variant is expected to disrupt EARS2 protein function. This variant disrupts the p.Arg55 amino acid residue in EARS2. Other variant(s) that disrupt this residue have been observed in individuals with EARS2-related conditions (PMID: 27290639, 33962821), which suggests that this may be a clinically significant amino acid residue. In summary, the available evidence is currently insufficient to determine the role of this variant in disease. Therefore, it has been classified as a Variant of Uncertain Significance. This variant is present in population databases (no rsID available, gnomAD 0.003%). This sequence change replaces arginine, which is basic and polar, with cysteine, which is neutral and slightly polar, at codon 55 of the EARS2 protein (p.Arg55Cys).

Literature cited by the submitters: PubMed 27290639 (cited by Labcorp Genetics (formerly Invitae), Labcorp); PubMed 33962821 (cited by Labcorp Genetics (formerly Invitae), Labcorp).

NM_001083614.2(EARS2):c.163C>T (p.Arg55Cys)

Gene: EARS2 (glutamyl-tRNA synthetase 2, mitochondrial; minus strand). Cytogenetic location: 16p12.2.
Variant type: single nucleotide variant.
Coding change: c.163C>T on transcript NM_001083614.2 (MANE Select); coding-DNA position 163, C replaced by T.
Protein change: p.Arg55Cys; replaces arginine 55 with cysteine.
Molecular consequence: missense variant. On other transcripts: non-coding transcript variant (1).
Genome position (GRCh38, 1-based): chr16:23,552,281, G>A on the plus strand (C>T on the coding strand, the complement: EARS2 is on the minus strand). VCF-style: chr16-23552281-G-A. GRCh37 (hg19) VCF-style: chr16-23563602-G-A.
Other names: c.163C>T, p.Arg55Cys (NM_001308211.1, NM_133451.1); c.163C>T (NM_001083614.1); short protein forms R55C.
Identifiers: ClinVar variation 2909496 (VCV002909496.2), dbSNP rs1049547801, ClinGen allele CA279533196.
Genomic context (GRCh38, chr16:23,552,281, plus strand): 5'-GCCTCAGGATGAAGCTCCCCTGGTACTTCTTAGCAAAGATGTAGTTGTACAAGGCAGTGC[G>A]GAGGCCACCCAGGTGCAAGAAGCCTGGAGAAGAGAACAGCTCAGATAAGACAGGGAAGAT-3'
Protein context (NP_001077083.1, residues 45-65): PTGFLHLGGL[Arg55Cys]TALYNYIFAK